The following is an entry in ClinVar:

NM_001267550.2(TTN):c.43717A>G (p.Met14573Val)

Gene: TTN (titin; minus strand). Cytogenetic location: 2q31.2.
Variant type: single nucleotide variant.
Coding change: c.43717A>G on transcript NM_001267550.2 (MANE Select); coding-DNA position 43717, A replaced by G.
Protein change: p.Met14573Val; replaces methionine 14573 with valine.
Molecular consequence: missense variant.
Genome position (GRCh38, 1-based): chr2:178,632,177, T>C on the plus strand (A>G on the coding strand, the complement: TTN is on the minus strand). VCF-style: chr2-178632177-T-C. GRCh37 (hg19) VCF-style: chr2-179496904-T-C.
Other names: p.M12932V:ATG>GTG; c.43717A>G (NM_001267550.1); c.38794A>G, p.Met12932Val (NM_001256850.1); c.16522A>G, p.Met5508Val (NM_003319.4); c.36013A>G, p.Met12005Val (NM_133378.4); c.16897A>G, p.Met5633Val (NM_133432.3); c.17098A>G, p.Met5700Val (NM_133437.4); short protein forms M12932V, M14573V, M5508V, M12005V, M5633V, M5700V.
Identifiers: ClinVar variation 202633 (VCV000202633.5), dbSNP rs755610701, ClinGen allele CA309817.
Genomic context (GRCh38, chr2:178,632,177, plus strand): 5'-CAGTAAAATTAAAATTTAAAAAGCACTTACCAAGCACAGTGAGTTTAGCTTCTGAACTCA[T>C]CCCCATAGCTTCTACTCTAATTTGGGAGGTGTCATCAATAGACAGGTCTTTGAATGTGAT-3'
Protein context (NP_001254479.2, residues 14563-14583): TSQIRVEAMG[Met14573Val]SSEAKLTVLE

ClinVar aggregate classification (germline): Uncertain significance. Review status: criteria provided, multiple submitters, no conflicts (2 of 4 stars). 3 submissions from 3 submitters: Uncertain significance (3). Last evaluated 2025-12-05.

Conditions:
Dilated cardiomyopathy 1G (CMD1G). Identifiers: Orphanet 154, MedGen C1858763, MONDO:0011400, OMIM 604145.
Autosomal recessive limb-girdle muscular dystrophy type 2J (LGMDR10). Also called: MUSCULAR DYSTROPHY, LIMB-GIRDLE, AUTOSOMAL RECESSIVE 10; Limb-girdle muscular dystrophy, type 2J. Identifiers: Orphanet 140922, MedGen C1837342, MONDO:0012127, OMIM 608807.

Allele frequency attached by ClinVar (database versions not stated): gnomAD 0.00001; ExAC 0.00003.

Submissions (3):

GeneDx
Classification: Uncertain significance. Last evaluated: 2025-12-05. Review status: criteria provided, single submitter. Criteria: GeneDx Variant Classification Process June 2021. Collection method: clinical testing. Allele origin: germline. Affected: yes.
Comment: Not observed at significant frequency in large population cohorts (gnomAD); Has not been previously published as pathogenic or benign to our knowledge; In silico analysis, which includes splice predictors and evolutionary conservation, suggests this variant may impact gene splicing. In the absence of RNA/functional studies, the actual effect of this sequence change is unknown.

Revvity Omics, Revvity
Classification: Uncertain significance. Last evaluated: 2024-12-20. Review status: criteria provided, single submitter. Criteria: ACMG Guidelines, 2015. Collection method: clinical testing. Allele origin: germline.

Labcorp Genetics (formerly Invitae), Labcorp
Classification: Uncertain significance for Dilated cardiomyopathy 1G; Autosomal recessive limb-girdle muscular dystrophy type 2J. Last evaluated: 2017-07-07. Review status: criteria provided, single submitter. Criteria: Invitae Variant Classification Sherloc (09022015). Collection method: clinical testing. Allele origin: germline.
Comment: This sequence change replaces methionine with valine at codon 14573 of the TTN protein (p.Met14573Val). There is a small physicochemical difference between methionine and valine. This variant is present in population databases (rs755610701, ExAC 0.005%). This variant has not been reported in the literature in individuals with TTN-related disease. ClinVar contains an entry for this variant (Variation ID: 202633). This variant identified in the TTN gene is located in the I band of the resulting protein (PMID: 25589632). It is unclear how this variant impacts the function of this protein. Algorithms developed to predict the effect of missense changes on protein structure and function are unavailable for the TTN gene. Algorithms developed to predict the effect of sequence changes on RNA splicing suggest that this variant may alter RNA splicing, but this prediction has not been confirmed by published transcriptional studies. In summary, the available evidence is currently insufficient to determine the role of this variant in disease. Therefore, it has been classified as a Variant of Uncertain Significance.

Literature cited by the submitters: PubMed 25589632 (cited by Labcorp Genetics (formerly Invitae), Labcorp).